The following is an entry in ClinVar:

ClinVar aggregate classification (germline): Uncertain significance (1 of 4 stars; one submission).

Allele frequency attached by ClinVar (database versions not stated): gnomAD exomes below 0.00001 and 0.00002; TOPMed below 0.00001.
gnomAD v4.1: 23 of 1,608,594 alleles (0.0014%); highest among the groups gnomAD compares: Non-Finnish European, 0.0018%; no homozygotes.

Submission:

Labcorp Genetics (formerly Invitae), Labcorp
Classification: Uncertain significance. Last evaluated: 2021-01-14. Review status: criteria provided, single submitter. Criteria: Invitae Variant Classification Sherloc (09022015). Collection method: clinical testing. Allele origin: germline.
Comment: This sequence change falls in intron 11 of the C7 gene. It does not directly change the encoded amino acid sequence of the C7 protein. It affects a nucleotide within the consensus splice site of the intron. This variant is not present in population databases (ExAC no frequency). This variant has not been reported in the literature in individuals with C7-related conditions. Nucleotide substitutions within the consensus splice site are a relatively common cause of aberrant splicing (PMID: 17576681, 9536098). Algorithms developed to predict the effect of sequence changes on RNA splicing suggest that this variant is not likely to affect RNA splicing, but this prediction has not been confirmed by published transcriptional studies. In summary, the available evidence is currently insufficient to determine the role of this variant in disease. Therefore, it has been classified as a Variant of Uncertain Significance.

Literature cited by the submitters: PubMed 17576681; PubMed 9536098.

NM_000587.4(C7):c.1490-3T>C

Gene: C7 (complement C7; plus strand). Cytogenetic location: 5p13.1.
Variant type: single nucleotide variant.
Coding change: c.1490-3T>C on transcript NM_000587.4 (MANE Select); 3 bases into the intron before coding-DNA position 1490, T replaced by C.
Molecular consequence: intron variant.
Genome position (GRCh38, 1-based): chr5:40,959,446, T>C. VCF-style: chr5-40959446-T-C. GRCh37 (hg19) VCF-style: chr5-40959548-T-C.
Identifiers: ClinVar variation 1447790 (VCV001447790.3), dbSNP rs1297205740, ClinGen allele CA559296935.